The following is an entry in ClinVar:

ClinVar aggregate classification (germline): Conflicting classifications of pathogenicity. Review status: criteria provided, conflicting classifications (1 of 4 stars). 3 submissions from 3 submitters: Uncertain significance (1); Likely benign (1). 1 of the submissions does not count toward it. Last evaluated 2025-09-23.

Conditions:
COL6A3-related disorder. Also called: COL6A3-related disorders; COL6A3-related condition.
Bethlem myopathy 1A. Also called: Bethlem Muscular Dystrophy; MYOPATHY, BENIGN CONGENITAL, WITH CONTRACTURES; Bethlem myopathy 1. Identifiers: Orphanet 610, MedGen CN029274, MONDO:0024530, OMIM 158810.

Allele frequency attached by ClinVar (database versions not stated): ExAC 0.00001; gnomAD 0.00001; TOPMed 0.00001; gnomAD exomes 0.00002 and 0.00003.
gnomAD v4.1: 42 of 1,613,718 alleles (0.0026%); highest among the groups gnomAD compares: African/African-American, 0.0053%; no homozygotes.

Submissions (3):

Labcorp Genetics (formerly Invitae), Labcorp
Classification: Likely benign for Bethlem myopathy 1A. Last evaluated: 2025-09-23. Review status: criteria provided, single submitter. Criteria: Invitae Variant Classification Sherloc (09022015). Collection method: clinical testing. Allele origin: germline.

Eurofins Ntd Llc (ga)
Classification: Uncertain significance. Last evaluated: 2016-07-27. Review status: criteria provided, single submitter. Criteria: EGL Classification Definitions 2015. Collection method: clinical testing. Allele origin: germline. Observed: 1 variant allele, 1 heterozygote.

PreventionGenetics, part of Exact Sciences
Classification: Likely benign for COL6A3-related condition. Last evaluated: 2019-07-18. Review status: no assertion criteria provided. Collection method: clinical testing. Allele origin: germline. Not counted in ClinVar's aggregate classification.
Comment: This variant is classified as likely benign based on ACMG/AMP sequence variant interpretation guidelines (Richards et al. 2015 PMID: 25741868, with internal and published modifications).

NM_004369.4(COL6A3):c.7368G>A (p.Thr2456=)

Gene: COL6A3 (collagen type VI alpha 3 chain; minus strand). Cytogenetic location: 2q37.3.
Variant type: single nucleotide variant.
Coding change: c.7368G>A on transcript NM_004369.4 (MANE Select); coding-DNA position 7368, G replaced by A.
Protein change: p.Thr2456=; no amino-acid change (threonine 2456 retained).
Molecular consequence: synonymous variant.
Genome position (GRCh38, 1-based): chr2:237,344,650, C>T on the plus strand (G>A on the coding strand, the complement: COL6A3 is on the minus strand). VCF-style: chr2-237344650-C-T. GRCh37 (hg19) VCF-style: chr2-238253293-C-T.
Other names: c.5547G>A, p.Thr1849= (NM_057166.5); c.6750G>A, p.Thr2250= (NM_057167.4); c.7368G>A (NM_004369.3).
Identifiers: ClinVar variation 289679 (VCV000289679.14), dbSNP rs778474394, ClinGen allele CA2187815.